The following is an entry in ClinVar:

NM_001793.6(CDH3):c.1086G>A (p.Trp362Ter)

Gene: CDH3 (cadherin 3; plus strand). Cytogenetic location: 16q22.1.
Variant type: single nucleotide variant.
Coding change: c.1086G>A on transcript NM_001793.6 (MANE Select); coding-DNA position 1086, G replaced by A.
Protein change: p.Trp362Ter; replaces tryptophan 362 with a stop codon.
Molecular consequence: nonsense.
Genome position (GRCh38, 1-based): chr16:68,682,391, G>A. VCF-style: chr16-68682391-G-A. GRCh37 (hg19) VCF-style: chr16-68716294-G-A.
Other names: c.1086G>A, p.Trp362Ter (NM_001317195.3); c.921G>A, p.Trp307Ter (NM_001317196.2); short protein forms W307*, W362*.
Identifiers: ClinVar variation 1459147 (VCV001459147.8), dbSNP rs779888126, ClinGen allele CA8129251.

ClinVar aggregate classification (germline): Pathogenic. Review status: criteria provided, multiple submitters, no conflicts (2 of 4 stars). 3 submissions from 3 submitters: Pathogenic (3). Last evaluated 2023-10-03.

Conditions:
Retinal dystrophy. Also called: Inherited retinal dystrophy. Identifiers: Orphanet 71862, MedGen C0854723, MeSH D058499, MONDO:0019118, HP:0000556.
Congenital hypotrichosis with juvenile macular dystrophy (HJMD). Also called: HYPOTRICHOSIS WITH CONE-ROD DYSTROPHY. Identifiers: Orphanet 1573, MedGen C1832162, MONDO:0011107, OMIM 601553.

Allele frequency attached by ClinVar (database versions not stated): gnomAD exomes below 0.00001; ExAC 0.00001; gnomAD 0.00001.
gnomAD v4.1: 12 of 1,613,966 alleles (0.00074%); highest among the groups gnomAD compares: Admixed American, 0.0033%; no homozygotes.

Submissions (3):

Labcorp Genetics (formerly Invitae), Labcorp
Classification: Pathogenic. Last evaluated: 2023-10-03. Review status: criteria provided, single submitter. Criteria: Invitae Variant Classification Sherloc (09022015). Collection method: clinical testing. Allele origin: germline.
Comment: This sequence change creates a premature translational stop signal (p.Trp362*) in the CDH3 gene. It is expected to result in an absent or disrupted protein product. Loss-of-function variants in CDH3 are known to be pathogenic (PMID: 15805154, 27386845, 29620724). This variant is present in population databases (rs779888126, gnomAD 0.003%). This premature translational stop signal has been observed in individual(s) with hypotrichosis with juvenile macular dystrophy (PMID: 27386845). ClinVar contains an entry for this variant (Variation ID: 1459147). For these reasons, this variant has been classified as Pathogenic.

Institute of Human Genetics, Univ. Regensburg, Univ. Regensburg
Classification: Pathogenic for Retinal dystrophy. Last evaluated: 2014-01-01. Review status: criteria provided, single submitter. Criteria: ACMG Guidelines, 2015. Collection method: clinical testing. Allele origin: germline. Affected: yes.

Medical Genetics UMG, Mater Domini University Hospital/ Magna Graecia University of Catanzaro
Classification: Pathogenic for Congenital hypotrichosis with juvenile macular dystrophy. Review status: criteria provided, single submitter. Criteria: ACMG Guidelines, 2015. Collection method: clinical testing. Allele origin: germline. Inheritance: Autosomal recessive inheritance. Affected: yes. Observed: 1 homozygote.

Literature cited by the submitters: PubMed 15805154 (cited by Labcorp Genetics (formerly Invitae), Labcorp); PubMed 27386845 (cited by Labcorp Genetics (formerly Invitae), Labcorp and Institute of Human Genetics, Univ. Regensburg, Univ. Regensburg); PubMed 29620724 (cited by Labcorp Genetics (formerly Invitae), Labcorp); PubMed 31964843 (cited by Institute of Human Genetics, Univ. Regensburg, Univ. Regensburg); PubMed 32531858 (cited by Institute of Human Genetics, Univ. Regensburg, Univ. Regensburg).